The following is an entry in ClinVar:

ClinVar aggregate classification (germline): Uncertain significance (1 of 4 stars; one submission).

Conditions:
Gastrointestinal stromal tumor. Also called: Gastrointestinal stromal tumor, somatic; Gastrointestinal stroma tumor. Identifiers: Orphanet 44890, MedGen C0238198, MeSH D046152, MONDO:0011719, OMIM 606764, HP:0100723.

Submission:

Labcorp Genetics (formerly Invitae), Labcorp
Classification: Uncertain significance for Gastrointestinal stromal tumor. Last evaluated: 2020-09-02. Review status: criteria provided, single submitter. Criteria: Invitae Variant Classification Sherloc (09022015). Collection method: clinical testing. Allele origin: germline.
Comment: This variant has not been reported in the literature in individuals with KIT-related conditions. This sequence change replaces isoleucine with methionine at codon 748 of the KIT protein (p.Ile748Met). The isoleucine residue is moderately conserved and there is a small physicochemical difference between isoleucine and methionine. This variant is not present in population databases (ExAC no frequency). Algorithms developed to predict the effect of missense changes on protein structure and function (SIFT, PolyPhen-2, Align-GVGD) all suggest that this variant is likely to be tolerated, but these predictions have not been confirmed by published functional studies and their clinical significance is uncertain. In summary, the available evidence is currently insufficient to determine the role of this variant in disease. Therefore, it has been classified as a Variant of Uncertain Significance.

NM_000222.3(KIT):c.2244A>G (p.Ile748Met)

Gene: KIT (KIT proto-oncogene, receptor tyrosine kinase; plus strand). Cytogenetic location: 4q12.
Variant type: single nucleotide variant.
Coding change: c.2244A>G on transcript NM_000222.3 (MANE Select); coding-DNA position 2244, A replaced by G.
Protein change: p.Ile748Met; replaces isoleucine 748 with methionine.
Molecular consequence: missense variant.
Genome position (GRCh38, 1-based): chr4:54,731,881, A>G. VCF-style: chr4-54731881-A-G. GRCh37 (hg19) VCF-style: chr4-55598047-A-G.
Other names: c.2244A>G, p.Ile748Met (NM_001385290.1); c.2232A>G, p.Ile744Met (NM_001385292.1, NM_001093772.2); c.2247A>G, p.Ile749Met (NM_001385284.1); c.2241A>G, p.Ile747Met (NM_001385285.1); c.2229A>G, p.Ile743Met (NM_001385286.1); c.2235A>G, p.Ile745Met (NM_001385288.1); short protein forms I747M, I748M, I743M, I744M, I745M, I749M.
Identifiers: ClinVar variation 1045792 (VCV001045792.9), dbSNP rs1722619954, ClinGen allele CA356910836.